The following is an entry in ClinVar:

NM_000143.4(FH):c.378+1G>A

Gene: FH (fumarate hydratase; minus strand). Cytogenetic location: 1q43.
Variant type: single nucleotide variant.
Coding change: c.378+1G>A on transcript NM_000143.4 (MANE Select); the canonical splice donor site of the intron after coding-DNA position 378, G replaced by A.
Molecular consequence: splice donor variant.
Genome position (GRCh38, 1-based): chr1:241,513,602, C>T on the plus strand (G>A on the coding strand, the complement: FH is on the minus strand). VCF-style: chr1-241513602-C-T. GRCh37 (hg19) VCF-style: chr1-241676902-C-T.
Identifiers: ClinVar variation 957443 (VCV000957443.16), dbSNP rs1660143675, ClinGen allele CA345440406.

ClinVar aggregate classification (germline): Pathogenic/Likely pathogenic. Review status: criteria provided, multiple submitters, no conflicts (2 of 4 stars). 5 submissions from 5 submitters: Pathogenic (2); Likely pathogenic (3). Last evaluated 2025-12-17.

Conditions:
Fumarase deficiency (FMRD). Also called: Fumaric aciduria; Fumarate Hydratase Deficiency. Identifiers: Orphanet 24, MedGen C0342770, MONDO:0011730, OMIM 606812.
Hereditary cancer-predisposing syndrome. Also called: Hereditary neoplastic syndrome; Neoplastic Syndromes, Hereditary; Hereditary Cancer Syndrome; Tumor predisposition. Identifiers: Orphanet 140162, MedGen C0027672, MeSH D009386, MONDO:0015356.
Hereditary leiomyomatosis and renal cell cancer. Also called: LEIOMYOMA, MULTIPLE CUTANEOUS; Familial leiomyomatosis; MULTIPLE CUTANEOUS AND UTERINE LEIOMYOMATA 1, WITH OR WITHOUT RENAL CELL CARCINOMA; Multiple cutaneous leiomyomas; FH tumor predisposition syndrome; Reed syndrome. Identifiers: Orphanet 523, MedGen C1708350, MONDO:0007888, OMIM 150800, HP:0007437. Disease mechanism: loss of function.

Submissions (5):

Myriad Genetics, Inc.
Classification: Likely pathogenic for Hereditary leiomyomatosis and renal cell cancer. Last evaluated: 2025-12-17. Review status: criteria provided, single submitter. Criteria: Myriad Autosomal Dominant, Autosomal Recessive and X-Linked Classification Criteria (2023). Collection method: clinical testing. Allele origin: unknown.
Comment: This variant is considered likely pathogenic. This variant occurs within a consensus splice junction and is predicted to result in abnormal mRNA splicing of either an out-of-frame exon or an in-frame exon necessary for protein stability and/or normal function.

Labcorp Genetics (formerly Invitae), Labcorp
Classification: Likely pathogenic. Last evaluated: 2024-10-24. Review status: criteria provided, single submitter. Criteria: Invitae Variant Classification Sherloc (09022015). Collection method: clinical testing. Allele origin: germline.
Comment: This sequence change affects a donor splice site in intron 3 of the FH gene. It is expected to disrupt RNA splicing. Variants that disrupt the donor or acceptor splice site typically lead to a loss of protein function (PMID: 16199547), and loss-of-function variants in FH are known to be pathogenic (PMID: 11865300, 21398687). This variant is not present in population databases (gnomAD no frequency). Disruption of this splice site has been observed in individual(s) with clinical features of FH-related conditions (PMID: 30741757, 34156580). ClinVar contains an entry for this variant (Variation ID: 957443). Algorithms developed to predict the effect of sequence changes on RNA splicing suggest that this variant may disrupt the consensus splice site. In summary, the currently available evidence indicates that the variant is pathogenic, but additional data are needed to prove that conclusively. Therefore, this variant has been classified as Likely Pathogenic.

Baylor Genetics
Classification: Likely pathogenic for Fumarase deficiency. Last evaluated: 2023-09-21. Review status: criteria provided, single submitter. Criteria: ACMG Guidelines, 2015. Collection method: clinical testing. Allele origin: unknown.

3billion
Classification: Pathogenic for Hereditary leiomyomatosis and renal cell cancer. Last evaluated: 2023-07-20. Review status: criteria provided, single submitter. Criteria: ACMG Guidelines, 2015. Collection method: clinical testing. Allele origin: germline. Affected: yes.
Comment: The variant is not observed in the gnomAD v2.1.1 dataset. Predicted Consequence/Location: Canonical splice site: predicted to alter splicing and result in a loss or disruption of normal protein function. Multiple pathogenic loss-of-function variants are reported downstream of the variant. The variant has been reported at least twice as pathogenic without evidence for the classification (ClinVar ID: VCV000957443 /PMID: 34156580). Therefore, this variant is classified as Pathogenic according to the recommendation of ACMG/AMP guideline.

Ambry Genetics
Classification: Pathogenic for Hereditary cancer-predisposing syndrome. Last evaluated: 2023-02-22. Review status: criteria provided, single submitter. Criteria: Ambry Variant Classification Scheme 2023. Collection method: clinical testing. Allele origin: germline.
Comment: The c.378+1G>A intronic pathogenic mutation results from a G to A substitution one nucleotide after coding exon 3 of the FH gene. This alteration has been observed in individuals with a personal and/or family history that is consistent with FH-related disease (Taniguchi R et al. Fam Cancer. 2022 Jul;21(3):337-341; Ambry internal data). This nucleotide position is highly conserved in available vertebrate species. In silico splice site analysis predicts that this alteration will weaken the native splice donor site and will result in the creation or strengthening of a novel splice donor site. RNA studies have demonstrated that this alteration results in abnormal splicing in the set of samples tested (Ambry internal data). This variant is considered to be rare based on population cohorts in the Genome Aggregation Database (gnomAD). Alterations that disrupt the canonical splice site are expected to cause aberrant splicing, resulting in an abnormal protein or a transcript that is subject to nonsense-mediated mRNA decay. As such, this alteration is classified as a disease-causing mutation.

Literature cited by the submitters: PubMed 16199547 (cited by Labcorp Genetics (formerly Invitae), Labcorp); PubMed 11865300 (cited by Labcorp Genetics (formerly Invitae), Labcorp); PubMed 21398687 (cited by Labcorp Genetics (formerly Invitae), Labcorp); PubMed 30741757 (cited by Labcorp Genetics (formerly Invitae), Labcorp); PubMed 34156580 (cited by 3 submitters).